The following is an entry in ClinVar:

NM_001378454.1(ALMS1):c.3706T>A (p.Ser1236Thr)

Gene: ALMS1 (ALMS1 centrosome and basal body associated protein; plus strand). Cytogenetic location: 2p13.1.
Variant type: single nucleotide variant.
Coding change: c.3706T>A on transcript NM_001378454.1 (MANE Select); coding-DNA position 3706, T replaced by A.
Protein change: p.Ser1236Thr; replaces serine 1236 with threonine.
Molecular consequence: missense variant.
Genome position (GRCh38, 1-based): chr2:73,450,233, T>A. VCF-style: chr2-73450233-T-A. GRCh37 (hg19) VCF-style: chr2-73677360-T-A.
Other names: c.3709T>A, p.Ser1237Thr (NM_015120.4); short protein forms S1236T, S1237T.
Identifiers: ClinVar variation 2106104 (VCV002106104.4), dbSNP rs2466099125, ClinGen allele CA347276287.

ClinVar aggregate classification (germline): Uncertain significance (1 of 4 stars; one submission).

Conditions:
Alstrom syndrome (ALMS). Identifiers: Orphanet 64, MedGen C0268425, MONDO:0008763, OMIM 203800.

Submission:

Labcorp Genetics (formerly Invitae), Labcorp
Classification: Uncertain significance for Alstrom syndrome. Last evaluated: 2022-03-04. Review status: criteria provided, single submitter. Criteria: Invitae Variant Classification Sherloc (09022015). Collection method: clinical testing. Allele origin: germline.
Comment: This sequence change replaces serine, which is neutral and polar, with threonine, which is neutral and polar, at codon 1237 of the ALMS1 protein (p.Ser1237Thr). This variant is not present in population databases (gnomAD no frequency). This variant has not been reported in the literature in individuals affected with ALMS1-related conditions. Experimental studies and prediction algorithms are not available or were not evaluated, and the functional significance of this variant is currently unknown. In summary, the available evidence is currently insufficient to determine the role of this variant in disease. Therefore, it has been classified as a Variant of Uncertain Significance.